The following is an entry in ClinVar:

NM_021784.5(FOXA2):c.1310C>T (p.Thr437Met)

Gene: FOXA2 (forkhead box A2; minus strand). Cytogenetic location: 20p11.21.
Variant type: single nucleotide variant.
Coding change: c.1310C>T on transcript NM_021784.5 (MANE Select); coding-DNA position 1310, C replaced by T.
Protein change: p.Thr437Met; replaces threonine 437 with methionine.
Molecular consequence: missense variant.
Genome position (GRCh38, 1-based): chr20:22,581,932, G>A on the plus strand (C>T on the coding strand, the complement: FOXA2 is on the minus strand). VCF-style: chr20-22581932-G-A. GRCh37 (hg19) VCF-style: chr20-22562570-G-A.
Other names: c.1292C>T, p.Thr431Met (NM_153675.3); short protein forms T431M, T437M.
Identifiers: ClinVar variation 2090246 (VCV002090246.4), dbSNP rs571330298, ClinGen allele CA9786873.

ClinVar aggregate classification (germline): Uncertain significance (1 of 4 stars; one submission).

Allele frequency attached by ClinVar (database versions not stated): ExAC 0.00002; 1000 Genomes Project 0.00020.

Submission:

Labcorp Genetics (formerly Invitae), Labcorp
Classification: Uncertain significance. Last evaluated: 2022-07-14. Review status: criteria provided, single submitter. Criteria: Invitae Variant Classification Sherloc (09022015). Collection method: clinical testing. Allele origin: germline.
Comment: In summary, the available evidence is currently insufficient to determine the role of this variant in disease. Therefore, it has been classified as a Variant of Uncertain Significance. Algorithms developed to predict the effect of missense changes on protein structure and function (SIFT, PolyPhen-2, Align-GVGD) all suggest that this variant is likely to be tolerated. This variant has not been reported in the literature in individuals affected with FOXA2-related conditions. This variant is present in population databases (rs571330298, gnomAD 0.01%). This sequence change replaces threonine, which is neutral and polar, with methionine, which is neutral and non-polar, at codon 437 of the FOXA2 protein (p.Thr437Met).